The following is an entry in ClinVar:

ClinVar aggregate classification (germline): Likely pathogenic (1 of 4 stars; one submission).

Submission:

Dasa
Classification: Likely pathogenic. Last evaluated: 2026-01-24. Review status: criteria provided, single submitter. Criteria: DASA Assertion Criteria. Collection method: clinical testing. Allele origin: germline.
Comment: NM_000218.3(KCNQ1):c.999dup (p.Val334Cysfs*129) is a frameshift variant in KCNQ1 predicted to alter the reading frame and introduce a premature termination codon and is predicted to result in an absent or altered protein product. Loss of function is an established disease mechanism for KCNQ1 (PMID: 26669661; PMID: 29532034; PMID: 23098067). Also, this variant is rare in population databases. Based on the currently available evidence, this variant is classified as likely pathogenic.

Literature cited by the submitters: PubMed 26669661; PubMed 29532034; PubMed 23098067.

NM_000218.3(KCNQ1):c.999dup (p.Val334fs)

Gene: KCNQ1 (potassium voltage-gated channel subfamily Q member 1; plus strand). Cytogenetic location: 11p15.5.
Variant type: Duplication.
Coding change: c.999dup on transcript NM_000218.3 (MANE Select); coding-DNA position 999, one base duplicated (T; older notation c.999dupT).
Protein change: p.Val334fs; shifts the reading frame from valine 334.
Molecular consequence: frameshift variant.
Genome position (GRCh38, 1-based): chr11:2,583,512, T duplicated. VCF-style (leftmost placement, unchanged base first): chr11-2583511-C-CT. GRCh37 (hg19) VCF-style: chr11-2604741-C-CT.
Other names: c.999dup, p.Val334fs (NM_001406836.1); c.729dup, p.Val244fs (NM_001406837.1); c.555dup, p.Val186fs (NM_001406838.1); c.618dup, p.Val207fs (NM_181798.2); short protein forms V186fs, V207fs, V244fs, V334fs.
Identifiers: ClinVar variation 4856830 (VCV004856830.2).
Genomic context (GRCh38, chr11:2,583,511, plus strand): 5'-TCGGCTATGGGGACAAGGTGCCCCAGACGTGGGTCGGGAAGACCATCGCCTCCTGCTTCT[C>CT]TGTCTTTGCCATCTCCTTCTTTGCGCTCCCAGCGGTAGGTGCCCCGTGGGTGCGTTTTCC-3'